The following is an entry in ClinVar:

ClinVar aggregate classification (germline): Benign. Review status: criteria provided, multiple submitters, no conflicts (2 of 4 stars). 3 submissions from 3 submitters: Benign (2). 1 of the submissions does not count toward it. Last evaluated 2026-01-26.

Conditions:
FTCD-related disorder. Also called: FTCD-related condition.
Glutamate formiminotransferase deficiency. Also called: Arakawa syndrome 1; Formiminoglutamic aciduria. Identifiers: Orphanet 51208, MedGen C0268609, MONDO:0009240, OMIM 229100.

Allele frequency attached by ClinVar (database versions not stated): gnomAD exomes 0.00147; ExAC 0.00282; gnomAD 0.00553 and 0.00600; TOPMed 0.00651; 1000 Genomes Project 0.00659; 1000 Genomes Project 30x 0.00671; ESP Exome Variant Server 0.00700.

Submissions (3):

Labcorp Genetics (formerly Invitae), Labcorp
Classification: Benign for Glutamate formiminotransferase deficiency. Last evaluated: 2026-01-26. Review status: criteria provided, single submitter. Criteria: Invitae Variant Classification Sherloc (09022015). Collection method: clinical testing. Allele origin: germline.

Breakthrough Genomics
Classification: Benign. Review status: criteria provided, single submitter. Criteria: ACMG Guidelines, 2015. Collection method: not provided. Allele origin: germline. Inheritance: Autosomal recessive inheritance. Affected: yes.

PreventionGenetics, part of Exact Sciences
Classification: Benign for FTCD-related condition. Last evaluated: 2024-07-15. Review status: no assertion criteria provided. Collection method: clinical testing. Allele origin: germline. Not counted in ClinVar's aggregate classification.
Comment: This variant is classified as benign based on ACMG/AMP sequence variant interpretation guidelines (Richards et al. 2015 PMID: 25741868, with internal and published modifications).

NM_206965.2(FTCD):c.919C>T (p.Leu307=)

Gene: FTCD (formimidoyltransferase cyclodeaminase; minus strand). Cytogenetic location: 21q22.3.
Variant type: single nucleotide variant.
Coding change: c.919C>T on transcript NM_206965.2 (MANE Select); coding-DNA position 919, C replaced by T.
Protein change: p.Leu307=; no amino-acid change (leucine 307 retained).
Molecular consequence: synonymous variant.
Genome position (GRCh38, 1-based): chr21:46,146,315, G>A on the plus strand (C>T on the coding strand, the complement: FTCD is on the minus strand). VCF-style: chr21-46146315-G-A. GRCh37 (hg19) VCF-style: chr21-47566229-G-A.
Other names: c.919C>T (NM_001320412.1); c.919C>T, p.Leu307= (NM_001320412.2, NM_006657.3).
Identifiers: ClinVar variation 703086 (VCV000703086.14), dbSNP rs141103624, ClinGen allele CA10073654.